The following is an entry in ClinVar:

NM_017613.4(DONSON):c.48del (p.Glu17fs)

Gene: DONSON (DNA replication fork stabilization factor DONSON; minus strand). Cytogenetic location: 21q22.11.
Variant type: Deletion.
Coding change: c.48del on transcript NM_017613.4 (MANE Select); coding-DNA position 48, one base deleted (C; older notation c.48delC).
Protein change: p.Glu17fs; shifts the reading frame from glutamic acid 17.
Molecular consequence: frameshift variant.
Genome position (GRCh38, 1-based): chr21:33,588,594, G deleted on the plus strand (C on the coding strand, the reverse complement: DONSON is on the minus strand); the first of 3 consecutive G bases (chr21:33,588,594-33,588,596); deleting any one gives the same sequence. VCF-style (leftmost placement, unchanged base first): chr21-33588593-CG-C. GRCh37 (hg19) VCF-style: chr21-34960899-CG-C.
Other names: short protein forms E17fs.
Identifiers: ClinVar variation 1177300 (VCV001177300.5), dbSNP rs2145910302, ClinGen allele CA2499225865.

ClinVar aggregate classification (germline): Pathogenic/Likely pathogenic. Review status: criteria provided, multiple submitters, no conflicts (2 of 4 stars). 2 submissions from 2 submitters: Pathogenic (1); Likely pathogenic (1). Last evaluated 2024-09-10.

Conditions:
Meier-Gorlin syndrome 1 (MGORS1). Also called: EAR, PATELLA, SHORT STATURE SYNDROME. Identifiers: Orphanet 2554, MedGen C4552001, MONDO:0009143, OMIM 224690.

Submissions (2):

Labcorp Genetics (formerly Invitae), Labcorp
Classification: Pathogenic. Last evaluated: 2024-09-10. Review status: criteria provided, single submitter. Criteria: Invitae Variant Classification Sherloc (09022015). Collection method: clinical testing. Allele origin: germline.
Comment: This sequence change creates a premature translational stop signal (p.Glu17Argfs*2) in the DONSON gene. It is expected to result in an absent or disrupted protein product. Loss-of-function variants in DONSON are known to be pathogenic (PMID: 28191891, 28630177). This variant is not present in population databases (gnomAD no frequency). This variant has not been reported in the literature in individuals affected with DONSON-related conditions. ClinVar contains an entry for this variant (Variation ID: 1177300). For these reasons, this variant has been classified as Pathogenic.

Institute of Human Genetics, University of Goettingen
Classification: Likely pathogenic for Meier-Gorlin syndrome 1. Last evaluated: 2021-07-06. Review status: criteria provided, single submitter. Criteria: ACMG Guidelines, 2015. Collection method: clinical testing. Allele origin: maternal. Inheritance: Autosomal recessive inheritance. Affected: yes.
Comment: found in compound heterozygosity with a variant of unknown significance

Literature cited by the submitters: PubMed 28191891 (cited by Labcorp Genetics (formerly Invitae), Labcorp); PubMed 28630177 (cited by Labcorp Genetics (formerly Invitae), Labcorp).